The following is an entry in ClinVar:

NM_032776.3(JMJD1C):c.3456_3458del (p.His1152del)

Gene: JMJD1C (jumonji domain containing 1C; minus strand). Cytogenetic location: 10q21.3.
Variant type: Deletion.
Coding change: c.3456_3458del on transcript NM_032776.3 (MANE Select); coding-DNA positions 3456 to 3458, 3 bases deleted (CCA; older notation c.3456_3458delCCA).
Protein change: p.His1152del; deletes histidine 1152.
Molecular consequence: non-coding transcript variant (on NR_134512.2).
Genome position (GRCh38, 1-based): chr10:63,208,211-63,208,213, TGG deleted on the plus strand (CCA on the coding strand, the reverse complement: JMJD1C is on the minus strand); deleting any 3 consecutive bases within chr10:63,208,211-63,208,215 gives the same sequence; the c. name uses the placement nearest the transcript's 3' end. VCF-style (leftmost placement, unchanged base first): chr10-63208210-TTGG-T. GRCh37 (hg19) VCF-style: chr10-64967970-TTGG-T.
Other names: c.2910_2912del, p.His970del (NM_001282948.2, NM_001318154.2); c.2592_2594del, p.His864del (NM_001318153.2); c.3342_3344del, p.His1114del (NM_001322252.2); c.2799_2801del, p.His933del (NM_001322254.2, NM_001322258.2); short protein forms H1114del, H1152del, H864del, H933del, H970del.
Identifiers: ClinVar variation 3696522 (VCV003696522.1).

ClinVar aggregate classification (germline): Uncertain significance (1 of 4 stars; one submission).

Conditions:
Early Myoclonic Encephalopathy. Identifiers: MedGen C0270855.

Submission:

Labcorp Genetics (formerly Invitae), Labcorp
Classification: Uncertain significance for Early Myoclonic Encephalopathy. Last evaluated: 2024-09-15. Review status: criteria provided, single submitter. Criteria: Invitae Variant Classification Sherloc (09022015). Collection method: clinical testing. Allele origin: germline.
Comment: This variant, c.3456_3458del, results in the deletion of 1 amino acid(s) of the JMJD1C protein (p.His1152del), but otherwise preserves the integrity of the reading frame. This variant is present in population databases (no rsID available, gnomAD 0.0009%). This variant has not been reported in the literature in individuals affected with JMJD1C-related conditions. Experimental studies and prediction algorithms are not available or were not evaluated, and the functional significance of this variant is currently unknown. In summary, the available evidence is currently insufficient to determine the role of this variant in disease. Therefore, it has been classified as a Variant of Uncertain Significance.